The following is an entry in ClinVar:

ClinVar aggregate classification (germline): Likely benign (1 of 4 stars; one submission).

Conditions:
EP300-related disorder. Also called: EP300-related disorders; EP300-related condition.

gnomAD v4.1: 1 of 1,614,044 alleles (0.000062%); highest among the groups gnomAD compares: African/African-American, 0.0013%; no homozygotes.

Submission:

PreventionGenetics, part of Exact Sciences
Classification: Likely benign for EP300-related condition. Last evaluated: 2025-06-04. Review status: criteria provided, single submitter. Criteria: ACMG Guidelines, 2015. Collection method: clinical testing. Allele origin: germline.
Comment: This variant is classified as likely benign based on ACMG/AMP sequence variant interpretation guidelines (Richards et al. 2015 PMID: 25741868, with internal and published modifications).

NM_001429.4(EP300):c.5835G>A (p.Val1945=)

Gene: EP300 (EP300 lysine acetyltransferase; plus strand). Cytogenetic location: 22q13.2.
Variant type: single nucleotide variant.
Coding change: c.5835G>A on transcript NM_001429.4 (MANE Select); coding-DNA position 5835, G replaced by A.
Protein change: p.Val1945=; no amino-acid change (valine 1945 retained).
Molecular consequence: synonymous variant.
Genome position (GRCh38, 1-based): chr22:41,177,546, G>A. VCF-style: chr22-41177546-G-A. GRCh37 (hg19) VCF-style: chr22-41573550-G-A.
Other names: c.5757G>A, p.Val1919= (NM_001362843.2).
Identifiers: ClinVar variation 5002604 (VCV005002604.1).